The following is an entry in ClinVar:

NM_001009944.3(PKD1):c.7007A>G (p.Tyr2336Cys)

Gene: PKD1 (polycystin 1, transient receptor potential channel interacting; minus strand). Cytogenetic location: 16p13.3.
Variant type: single nucleotide variant.
Coding change: c.7007A>G on transcript NM_001009944.3 (MANE Select); coding-DNA position 7007, A replaced by G.
Protein change: p.Tyr2336Cys; replaces tyrosine 2336 with cysteine.
Molecular consequence: missense variant.
Genome position (GRCh38, 1-based): chr16:2,107,941, T>C on the plus strand (A>G on the coding strand, the complement: PKD1 is on the minus strand). VCF-style: chr16-2107941-T-C. GRCh37 (hg19) VCF-style: chr16-2157942-T-C.
Other names: c.7007A>G, p.Tyr2336Cys (NM_000296.4); short protein forms Y2336C.
Identifiers: ClinVar variation 1254250 (VCV001254250.3), dbSNP rs2151783812, ClinGen allele CA394372437.

ClinVar aggregate classification (germline): Uncertain significance. Review status: criteria provided, multiple submitters, no conflicts (2 of 4 stars). 2 submissions from 2 submitters: Uncertain significance (2). Last evaluated 2021-12-29.

Conditions:
Polycystic kidney disease, adult type (PKD1). Also called: POLYCYSTIC KIDNEY DISEASE 1 WITH OR WITHOUT POLYCYSTIC LIVER DISEASE; Polycystic Kidney Disease 1, Autosomal Dominant; Polycystic kidney disease 1; Polycystic kidney disease 1, severe; POLYCYSTIC KIDNEY DISEASE, ADULT, TYPE I; Polycystic Kidney, Autosomal Dominant. Identifiers: MedGen C3149841, MONDO:0008263, OMIM 173900.

Submissions (2):

Fulgent Genetics
Classification: Uncertain significance for Polycystic kidney disease, adult type. Last evaluated: 2021-12-29. Review status: criteria provided, single submitter. Criteria: ACMG Guidelines, 2015. Collection method: clinical testing. Allele origin: unknown.

GeneDx
Classification: Uncertain significance. Last evaluated: 2021-07-26. Review status: criteria provided, single submitter. Criteria: GeneDx Variant Classification Process June 2021. Collection method: clinical testing. Allele origin: germline. Affected: yes.
Comment: Not observed in large population cohorts (Lek et al., 2016); In silico analysis supports that this missense variant has a deleterious effect on protein structure/function; Has not been previously published as pathogenic or benign to our knowledge